The following is an entry in ClinVar:

ClinVar aggregate classification (germline): Uncertain significance (1 of 4 stars; one submission).

Conditions:
Inborn genetic diseases. Identifiers: MedGen C0950123, MeSH D030342.

Submission:

Ambry Genetics
Classification: Uncertain significance for Inborn genetic diseases. Last evaluated: 2022-10-20. Review status: criteria provided, single submitter. Criteria: Ambry Variant Classification Scheme 2023. Collection method: clinical testing. Allele origin: germline.
Comment: The p.H601N variant (also known as c.1801C>A), located in coding exon 12 of the EPAS1 gene, results from a C to A substitution at nucleotide position 1801. The histidine at codon 601 is replaced by asparagine, an amino acid with similar properties. This amino acid position is conserved. In addition, this alteration is predicted to be tolerated by in silico analysis. Since supporting evidence is limited at this time, the clinical significance of this alteration remains unclear.

NM_001430.5(EPAS1):c.1801C>A (p.His601Asn)

Gene: EPAS1 (endothelial PAS domain protein 1; plus strand). Cytogenetic location: 2p21.
Variant type: single nucleotide variant.
Coding change: c.1801C>A on transcript NM_001430.5 (MANE Select); coding-DNA position 1801, C replaced by A.
Protein change: p.His601Asn; replaces histidine 601 with asparagine.
Molecular consequence: missense variant.
Genome position (GRCh38, 1-based): chr2:46,380,473, C>A. VCF-style: chr2-46380473-C-A. GRCh37 (hg19) VCF-style: chr2-46607612-C-A.
Other names: short protein forms H601N.
Identifiers: ClinVar variation 1780410 (VCV001780410.2), dbSNP rs2103672947, ClinGen allele CA346704913.